The following is an entry in ClinVar:

NM_000179.3(MSH6):c.1237T>G (p.Trp413Gly)

Gene: MSH6 (mutS homolog 6; plus strand). Cytogenetic location: 2p16.3.
Variant type: single nucleotide variant.
Coding change: c.1237T>G on transcript NM_000179.3 (MANE Select); coding-DNA position 1237, T replaced by G.
Protein change: p.Trp413Gly; replaces tryptophan 413 with glycine.
Molecular consequence: missense variant. On other transcripts: non-coding transcript variant (4), intron variant (1).
Genome position (GRCh38, 1-based): chr2:47,799,220, T>G. VCF-style: chr2-47799220-T-G. GRCh37 (hg19) VCF-style: chr2-48026359-T-G.
Other names: c.847T>G, p.Trp283Gly (NM_001281492.2); c.331T>G, p.Trp111Gly (NM_001281493.2, NM_001281494.2, NM_001406811.1 and 6 more transcripts); c.1333T>G, p.Trp445Gly (NM_001406795.1, NM_001406802.1); c.1237T>G, p.Trp413Gly (NM_001406796.1, NM_001406798.1, NM_001406800.1 and 4 more transcripts); c.940T>G, p.Trp314Gly (NM_001406797.1, NM_001406801.1, NM_001406805.1 and 10 more transcripts); c.712T>G, p.Trp238Gly (NM_001406799.1, NM_001406806.1, NM_001406807.1); c.1159T>G, p.Trp387Gly (NM_001406804.1); c.1243T>G, p.Trp415Gly (NM_001406813.1); and 2 more; short protein forms W111G, W238G, W283G, W314G, W357G, W387G, W413G, W415G.
Identifiers: ClinVar variation 4851305 (VCV004851305.1).

ClinVar aggregate classification (germline): Likely pathogenic (1 of 4 stars; one submission).

Conditions:
Lynch syndrome. Identifiers: Orphanet 144, MedGen C4552100, MONDO:0005835. Disease mechanism: loss of function.

Submission:

Department of Medical and Surgical Sciences, University of Bologna
Classification: Likely pathogenic for Lynch syndrome. Last evaluated: 2026-05-14. Review status: criteria provided, single submitter. Criteria: ACMG Guidelines, 2015. Collection method: clinical testing. Allele origin: germline. Inheritance: Autosomal dominant inheritance. Affected: yes. Observed: 3 variant alleles, 3 heterozygotes.
Comment: PM2: gnomAD frequency 0.0%; PM5: Different amino acid change as a known pathogenic variant (c.1239G>T;p.Trp413Cys); PM1: Non-truncating non-synonymous variant located in a mutational hot spot (8 pathogenic or likely pathogenic reported variants were found in a 44bp region surrounding this variant in exon 4 within the region 48026332-48026376 without any missense benign variants; PP3: computational prediction tools unanimously support a deleterious effect on the gene. Plus, in our clinic the variant was found in three unrelated patients, two with endometrial carcinoma and one with colorectal carcinoma, all three with immunohistochemical absence of MSH6 protein on tumor tissue